The following is an entry in ClinVar:

NM_004415.4(DSP):c.7864A>G (p.Ile2622Val)

Gene: DSP (desmoplakin; plus strand). Cytogenetic location: 6p24.3.
Variant type: single nucleotide variant.
Coding change: c.7864A>G on transcript NM_004415.4 (MANE Select); coding-DNA position 7864, A replaced by G.
Protein change: p.Ile2622Val; replaces isoleucine 2622 with valine.
Molecular consequence: missense variant.
Genome position (GRCh38, 1-based): chr6:7,585,126, A>G. VCF-style: chr6-7585126-A-G. GRCh37 (hg19) VCF-style: chr6-7585359-A-G.
Other names: c.6067A>G, p.Ile2023Val (NM_001008844.3); c.6535A>G, p.Ile2179Val (NM_001319034.2); c.7864A>G (LRG_423t1); short protein forms I2622V, I2179V, I2023V.
Identifiers: ClinVar variation 191644 (VCV000191644.14), dbSNP rs752616130, ClinGen allele CA007306.

ClinVar aggregate classification (germline): Conflicting classifications of pathogenicity. Review status: criteria provided, conflicting classifications (1 of 4 stars). 3 submissions from 3 submitters: Uncertain significance (2); Likely benign (1). Last evaluated 2025-06-22.

Conditions:
Arrhythmogenic cardiomyopathy with wooly hair and keratoderma. Also called: Arrhythmogenic cardiomyopathy with woolly hair and keratoderma; Dilated cardiomyopathy with woolly hair and keratoderma; PALMOPLANTAR KERATODERMA WITH LEFT VENTRICULAR CARDIOMYOPATHY AND WOOLLY HAIR; Carvajal syndrome. Identifiers: Orphanet 65282, MedGen C1854063, MONDO:0011581, OMIM 605676.
Arrhythmogenic right ventricular dysplasia 8 (ARVD8). Also called: ARRHYTHMOGENIC RIGHT VENTRICULAR DYSPLASIA, FAMILIAL, 8; ARRHYTHMOGENIC RIGHT VENTRICULAR CARDIOMYOPATHY 8; Arrhythmogenic Right Ventricular Dysplasia/Cardiomyopathy 8. Identifiers: MedGen C1843896, MONDO:0011831, OMIM 607450.
Cardiomyopathy (CMYO). Also called: Cardiomyopathies. Identifiers: Orphanet 167848, MedGen C0878544, MONDO:0004994, HP:0001638. Inheritance: Various modes of inheritance.

Allele frequency attached by ClinVar (database versions not stated): gnomAD exomes below 0.00001; TOPMed below 0.00001; gnomAD 0.00001; ExAC 0.00002.
gnomAD v4.1: 3 of 1,614,042 alleles (0.00019%); highest among the groups gnomAD compares: South Asian, 0.0011%; no homozygotes.

Submissions (3):

Labcorp Genetics (formerly Invitae), Labcorp
Classification: Likely benign for Arrhythmogenic cardiomyopathy with wooly hair and keratoderma; Arrhythmogenic right ventricular dysplasia 8. Last evaluated: 2025-06-22. Review status: criteria provided, single submitter. Criteria: Invitae Variant Classification Sherloc (09022015). Collection method: clinical testing. Allele origin: germline.

Color Diagnostics, LLC DBA Color Health
Classification: Uncertain significance for Cardiomyopathy. Last evaluated: 2020-07-28. Review status: criteria provided, single submitter. Criteria: ACMG Guidelines, 2015. Collection method: clinical testing. Allele origin: germline.
Comment: This missense variant replaces isoleucine with valine at codon 2622 of the DSP protein. Computational prediction suggests that this variant may not impact protein structure and function (internally defined REVEL score threshold <= 0.5, PMID: 27666373). To our knowledge, functional studies have not been reported for this variant. This variant has not been reported in individuals affected with cardiovascular disorders in the literature. This variant has been identified in 2/282152 chromosomes in the general population by the Genome Aggregation Database (gnomAD). The available evidence is insufficient to determine the role of this variant in disease conclusively. Therefore, this variant is classified as a Variant of Uncertain Significance.

Biesecker Lab/Clinical Genomics Section, National Institutes of Health
Classification: Uncertain significance. Last evaluated: 2013-06-24. Review status: criteria provided, single submitter. Criteria: Ng et al. (Circ Cardiovasc Genet. 2013). Collection method: research. Allele origin: unknown. Observed: 1 variant allele. Study: ClinSeq.
Comment: The study set was not selected for affection status in relation to any cancer. Pathogenicity categories were based on literature curation. See Pubmed ID:23861362 for details.

Medical sequencing